The following is an entry in ClinVar:

NM_002230.4(JUP):c.1784del (p.Ser595fs)

Gene: JUP (junction plakoglobin; minus strand). Cytogenetic location: 17q21.2.
Variant type: Deletion.
Coding change: c.1784del on transcript NM_002230.4 (MANE Select); coding-DNA position 1784, one base deleted (C; older notation c.1784delC).
Protein change: p.Ser595fs; shifts the reading frame from serine 595.
Molecular consequence: frameshift variant.
Genome position (GRCh38, 1-based): chr17:41,757,774, G deleted on the plus strand (C on the coding strand, the reverse complement: JUP is on the minus strand). VCF-style (leftmost placement, unchanged base first): chr17-41757773-CG-C. GRCh37 (hg19) VCF-style: chr17-39914025-CG-C.
Other names: c.1784del, p.Ser595fs (NM_001352773.2, NM_001352774.2, NM_001352775.2 and 3 more transcripts); short protein forms S595fs.
Identifiers: ClinVar variation 4531651 (VCV004531651.1).

ClinVar aggregate classification (germline): Pathogenic (1 of 4 stars; one submission).

Conditions:
Naxos disease (NXD). Also called: KERATOSIS PALMOPLANTARIS WITH ARRHYTHMOGENIC CARDIOMYOPATHY; MAL DE NAXOS; PALMOPLANTAR KERATODERMA WITH ARRHYTHMOGENIC RIGHT VENTRICULAR CARDIOMYOPATHY AND WOOLLY HAIR; WOOLLY HAIR, PALMOPLANTAR KERATODERMA, AND CARDIAC ABNORMALITIES; CARDIOMYOPATHY, ARRHYTHMOGENIC RIGHT VENTRICULAR, WITH SKIN, HAIR, AND NAIL ABNORMALITIES. Identifiers: Orphanet 34217, MedGen C1832600, MONDO:0011017, OMIM 601214.

Submission:

Victorian Clinical Genetics Services, Murdoch Childrens Research Institute
Classification: Pathogenic for Naxos disease. Last evaluated: 2025-07-28. Review status: criteria provided, single submitter. Criteria: ACMG Guidelines, 2015. Collection method: clinical testing. Allele origin: germline. Affected: yes.
Comment: This variant is classified as Pathogenic. Evidence in support of pathogenic classification: Variant is predicted to result in a truncated protein (premature termination codon is NOT located at least 54 nucleotides upstream of the final exon-exon junction) with less than 1/3 of the protein sequence affected; Variant is present in gnomAD <0.01 (v4: 2 heterozygote(s), 0 homozygote(s)); Other truncating variant(s) comparable to the one identified in this case have moderate previous evidence for pathogenicity (DECIPHER, PMID: 10902626). Additional information: This variant is heterozygous; This gene is associated with both recessive and dominant disease. Arrhythmogenic right ventricular dysplasia 12 (MIM#611528) is associated with dominant inheritance, while Naxos disease (MIM#601214) is associated with recessive inheritance (OMIM); This variant has no previous evidence of pathogenicity; No published evidence of segregation with disease has been identified for this variant; No published functional evidence has been identified for this variant; Variant truncates the armadillo/beta-catenin-like repeat domain (DECIPHER); Loss of function is a known mechanism of disease in this gene and is associated with arrhythmogenic right ventricular dysplasia 12 (MIM#611528) and Naxos disease (MIM#601214).

Literature cited by the submitters: PubMed 10902626.